The following is an entry in ClinVar:

NM_000179.3(MSH6):c.909G>T (p.Met303Ile)

Gene: MSH6 (mutS homolog 6; plus strand). Cytogenetic location: 2p16.3.
Variant type: single nucleotide variant.
Coding change: c.909G>T on transcript NM_000179.3 (MANE Select); coding-DNA position 909, G replaced by T.
Protein change: p.Met303Ile; replaces methionine 303 with isoleucine.
Molecular consequence: missense variant. On other transcripts: initiator codon variant (2).
Genome position (GRCh38, 1-based): chr2:47,798,892, G>T. VCF-style: chr2-47798892-G-T. GRCh37 (hg19) VCF-style: chr2-48026031-G-T.
Other names: c.519G>T, p.Met173Ile (NM_001281492.2); c.3G>T, p.Met1Ile (NM_001281493.2, NM_001281494.2); short protein forms M303I, M1I, M173I.
Identifiers: ClinVar variation 184781 (VCV000184781.10), dbSNP rs786201688, ClinGen allele CA016648.

ClinVar aggregate classification (germline): Uncertain significance. Review status: criteria provided, multiple submitters, no conflicts (2 of 4 stars). 3 submissions from 3 submitters: Uncertain significance (3). Last evaluated 2023-06-26.

Conditions:
Hereditary nonpolyposis colorectal neoplasms. Identifiers: MedGen C0009405, MeSH D003123.
Hereditary cancer-predisposing syndrome. Also called: Hereditary neoplastic syndrome; Neoplastic Syndromes, Hereditary; Tumor predisposition; Hereditary Cancer Syndrome. Identifiers: Orphanet 140162, MedGen C0027672, MeSH D009386, MONDO:0015356.
Lynch syndrome. Identifiers: Orphanet 144, MedGen C4552100, MONDO:0005835. Disease mechanism: loss of function.

Submissions (3):

All of Us Research Program, National Institutes of Health
Classification: Uncertain significance for Lynch syndrome. Last evaluated: 2023-06-26. Review status: criteria provided, single submitter. Criteria: ACMG Guidelines, 2015. Collection method: clinical testing. Allele origin: germline. Inheritance: Autosomal dominant inheritance. Observed: 1 variant allele, 1 heterozygote.
Comment: This missense variant replaces methionine with isoleucine at codon 303 of the MSH6 protein. Computational prediction suggests that this variant may not impact protein structure and function (internally defined REVEL score threshold <= 0.5, PMID: 27666373). To our knowledge, functional studies have not been reported for this variant. This variant has not been reported in individuals affected with MSH6-related disorders in the literature. This variant has not been identified in the general population by the Genome Aggregation Database (gnomAD). The available evidence is insufficient to determine the role of this variant in disease conclusively. Therefore, this variant is classified as a Variant of Uncertain Significance.

This study involves interpretation of variants in research participants for the purpose of population health screening. Participant phenotype was not available at the time of variant classification. Additional details can be found in publication PMID: 35346344, PMCID: PMC8962531

Labcorp Genetics (formerly Invitae), Labcorp
Classification: Uncertain significance for Hereditary nonpolyposis colorectal neoplasms. Last evaluated: 2023-02-24. Review status: criteria provided, single submitter. Criteria: Invitae Variant Classification Sherloc (09022015). Collection method: clinical testing. Allele origin: germline.
Comment: Advanced modeling of protein sequence and biophysical properties (such as structural, functional, and spatial information, amino acid conservation, physicochemical variation, residue mobility, and thermodynamic stability) performed at Invitae indicates that this missense variant is not expected to disrupt MSH6 protein function. In summary, the available evidence is currently insufficient to determine the role of this variant in disease. Therefore, it has been classified as a Variant of Uncertain Significance. ClinVar contains an entry for this variant (Variation ID: 184781). This variant has not been reported in the literature in individuals affected with MSH6-related conditions. This variant is not present in population databases (gnomAD no frequency). This sequence change replaces methionine, which is neutral and non-polar, with isoleucine, which is neutral and non-polar, at codon 303 of the MSH6 protein (p.Met303Ile).

Ambry Genetics
Classification: Uncertain significance for Hereditary cancer-predisposing syndrome. Last evaluated: 2019-10-03. Review status: criteria provided, single submitter. Criteria: Ambry Variant Classification Scheme 2023. Collection method: clinical testing. Allele origin: germline.
Comment: The p.M303I variant (also known as c.909G>T), located in coding exon 4 of the MSH6 gene, results from a G to T substitution at nucleotide position 909. The methionine at codon 303 is replaced by isoleucine, an amino acid with highly similar properties. This amino acid position is not well conserved in available vertebrate species. In addition, this alteration is predicted to be tolerated by in silico analysis. Since supporting evidence is limited at this time, the clinical significance of this alteration remains unclear.